The following is an entry in ClinVar:

NM_005216.5(DDOST):c.508G>A (p.Val170Ile)

Gene: DDOST (dolichyl-diphosphooligosaccharide--protein glycosyltransferase non-catalytic subunit; minus strand). Cytogenetic location: 1p36.12.
Variant type: single nucleotide variant.
Coding change: c.508G>A on transcript NM_005216.5 (MANE Select); coding-DNA position 508, G replaced by A.
Protein change: p.Val170Ile; replaces valine 170 with isoleucine.
Molecular consequence: missense variant.
Genome position (GRCh38, 1-based): chr1:20,655,483, C>T on the plus strand (G>A on the coding strand, the complement: DDOST is on the minus strand). VCF-style: chr1-20655483-C-T. GRCh37 (hg19) VCF-style: chr1-20981976-C-T.
Other names: short protein forms V187I, V170I.
Identifiers: ClinVar variation 295146 (VCV000295146.14), dbSNP rs111334879, ClinGen allele CA661212.

ClinVar aggregate classification (germline): Uncertain significance. Review status: criteria provided, multiple submitters, no conflicts (2 of 4 stars). 3 submissions from 3 submitters: Uncertain significance (3). Last evaluated 2025-10-02.

Conditions:
Congenital disorder of glycosylation type Ir (CDG1R). Also called: DDOST-congenital disorder of glycosylation. Identifiers: Orphanet 300536, MedGen C3281084, MONDO:0013789, OMIM 614507.

Allele frequency attached by ClinVar (database versions not stated): 1000 Genomes Project 0.00020; 1000 Genomes Project 30x 0.00031; gnomAD 0.00058 and 0.00063; TOPMed 0.00068; gnomAD exomes 0.00079 and 0.00095; ExAC 0.00095; ESP Exome Variant Server 0.00115.

Submissions (3):

Labcorp Genetics (formerly Invitae), Labcorp
Classification: Uncertain significance for Congenital disorder of glycosylation type Ir. Last evaluated: 2025-10-02. Review status: criteria provided, single submitter. Criteria: Invitae Variant Classification Sherloc (09022015). Collection method: clinical testing. Allele origin: germline.
Comment: This sequence change replaces valine, which is neutral and non-polar, with isoleucine, which is neutral and non-polar, at codon 187 of the DDOST protein (p.Val187Ile). This variant is present in population databases (rs111334879, gnomAD 0.1%), and has an allele count higher than expected for a pathogenic variant. This variant has not been reported in the literature in individuals affected with DDOST-related conditions. ClinVar contains an entry for this variant (Variation ID: 295146). Invitae Evidence Modeling of protein sequence and biophysical properties (such as structural, functional, and spatial information, amino acid conservation, physicochemical variation, residue mobility, and thermodynamic stability) indicates that this missense variant is not expected to disrupt DDOST protein function with a negative predictive value of 80%. In summary, the available evidence is currently insufficient to determine the role of this variant in disease. Therefore, it has been classified as a Variant of Uncertain Significance.

Eurofins Ntd Llc (ga)
Classification: Uncertain significance. Last evaluated: 2018-08-20. Review status: criteria provided, single submitter. Criteria: EGL ClinVar v180209 classification definitions. Collection method: clinical testing. Allele origin: germline. Observed: 1 variant allele, 1 heterozygote.

Breakthrough Genomics
Classification: Uncertain significance. Review status: criteria provided, single submitter. Criteria: ACMG Guidelines, 2015. Collection method: not provided. Allele origin: germline. Inheritance: Autosomal recessive inheritance. Affected: yes.